The following is an entry in ClinVar:

ClinVar aggregate classification (germline): Pathogenic. Review status: reviewed by expert panel (3 of 4 stars). 4 submissions from 4 submitters: Pathogenic (1). 3 of the submissions do not count toward it. Last evaluated 2016-10-18.

Conditions:
Hereditary cancer-predisposing syndrome. Also called: Tumor predisposition; Neoplastic Syndromes, Hereditary; Hereditary Cancer Syndrome; Hereditary neoplastic syndrome. Identifiers: Orphanet 140162, MedGen C0027672, MeSH D009386, MONDO:0015356.
Hereditary breast ovarian cancer syndrome. Also called: Hereditary breast and ovarian cancer syndrome (HBOC); Hereditary breast and ovarian cancer syndrome; Hereditary breast and ovarian cancer; Hereditary breast and/or ovarian cancer syndrome; Breast and ovarian cancer; BRCA1- and BRCA2-Associated Hereditary Breast and Ovarian Cancer. Identifiers: Orphanet 145, MedGen C0677776, MeSH D061325, MONDO:0003582. Disease mechanism: loss of function.
Breast-ovarian cancer, familial, susceptibility to, 1 (BROVCA1). Also called: OVARIAN CANCER, SUSCEPTIBILITY TO; BRCA1 Hereditary Breast and Ovarian Cancer. Identifiers: Orphanet 145, MedGen C2676676, MONDO:0011450, OMIM 604370. Disease mechanism: loss of function.

Submissions (4):

Evidence-based Network for the Interpretation of Germline Mutant Alleles (ENIGMA)
Classification: Pathogenic for Breast-ovarian cancer, familial, susceptibility to, 1. Last evaluated: 2016-10-18. Review status: reviewed by expert panel. Criteria: ENIGMA BRCA1/2 Classification Criteria (2015). Collection method: curation. Allele origin: germline.
Comment: Variant allele predicted to encode a truncated non-functional protein.

Ambry Genetics
Classification: Pathogenic for Hereditary cancer-predisposing syndrome. Last evaluated: 2024-05-01. Review status: criteria provided, single submitter. Criteria: Ambry Variant Classification Scheme 2023. Collection method: clinical testing. Allele origin: germline. Not counted in ClinVar's aggregate classification.
Comment: The p.S603* pathogenic mutation (also known as c.1808C>G), located in coding exon 9 of the BRCA1 gene, results from a C to G substitution at nucleotide position 1808. This changes the amino acid from a serine to a stop codon within coding exon 9. Of note, this alteration is also designated as 1927C>G in published literature. This variant is considered to be rare based on population cohorts in the Genome Aggregation Database (gnomAD). In addition to the clinical data presented in the literature, this alteration is expected to result in loss of function by premature protein truncation or nonsense-mediated mRNA decay. As such, this alteration is interpreted as a disease-causing mutation.

Labcorp Genetics (formerly Invitae), Labcorp
Classification: Pathogenic for Hereditary breast ovarian cancer syndrome. Last evaluated: 2023-04-14. Review status: criteria provided, single submitter. Criteria: Invitae Variant Classification Sherloc (09022015). Collection method: clinical testing. Allele origin: germline. Not counted in ClinVar's aggregate classification.
Comment: This sequence change creates a premature translational stop signal (p.Ser603*) in the BRCA1 gene. It is expected to result in an absent or disrupted protein product. Loss-of-function variants in BRCA1 are known to be pathogenic (PMID: 20104584). This variant is not present in population databases (gnomAD no frequency). This premature translational stop signal has been observed in individual(s) with BRCA1-related conditions (PMID: 19329713, 29446198). This variant is also known as 1927C>G. ClinVar contains an entry for this variant (Variation ID: 54356). For these reasons, this variant has been classified as Pathogenic.

Consortium of Investigators of Modifiers of BRCA1/2 (CIMBA), c/o University of Cambridge
Classification: Pathogenic for Breast-ovarian cancer, familial, susceptibility to, 1. Last evaluated: 2015-10-02. Review status: criteria provided, single submitter. Criteria: CIMBA Mutation Classification guidelines May 2016. Collection method: clinical testing. Allele origin: germline. Not counted in ClinVar's aggregate classification.

Literature cited by the submitters: PubMed 19329713 (cited by Ambry Genetics and Labcorp Genetics (formerly Invitae), Labcorp); PubMed 29446198 (cited by Ambry Genetics and Labcorp Genetics (formerly Invitae), Labcorp); PubMed 20104584 (cited by Labcorp Genetics (formerly Invitae), Labcorp).

NM_007294.4(BRCA1):c.1808C>G (p.Ser603Ter)

Gene: BRCA1 (BRCA1 DNA repair associated; minus strand). Cytogenetic location: 17q21.31.
Variant type: single nucleotide variant.
Coding change: c.1808C>G on transcript NM_007294.4 (MANE Select); coding-DNA position 1808, C replaced by G.
Protein change: p.Ser603Ter; replaces serine 603 with a stop codon.
Molecular consequence: nonsense. On other transcripts: intron variant (137).
Genome position (GRCh38, 1-based): chr17:43,093,723, G>C on the plus strand (C>G on the coding strand, the complement: BRCA1 is on the minus strand). VCF-style: chr17-43093723-G-C. GRCh37 (hg19) VCF-style: chr17-41245740-G-C.
Other names: 1927C>G; c.1664C>G, p.Ser555Ter (NM_001407842.1, NM_001407843.1, NM_001407844.1 and 20 more transcripts); c.1667C>G, p.Ser556Ter (NM_001407850.1, NM_001407851.1, NM_001407852.1 and 29 more transcripts); c.1595C>G, p.Ser532Ter (NM_001407853.1, NM_001407894.1, NM_001407895.1 and 9 more transcripts); c.1808C>G, p.Ser603Ter (NM_001407854.1, NM_001407858.1, NM_001407859.1 and 30 more transcripts); c.1805C>G, p.Ser602Ter (NM_001407860.1, NM_001407861.1, NM_001407587.1 and 22 more transcripts); c.1607C>G, p.Ser536Ter (NM_001407862.1); c.1685C>G, p.Ser562Ter (NM_001407863.1, NM_001407919.1, NM_001407937.1 and 19 more transcripts); and 41 more; short protein forms S603*, S556*, S491*, S561*, S600*, S602*, S475*, S492*.
Identifiers: ClinVar variation 54356 (VCV000054356.12), dbSNP rs397508909, ClinGen allele CA001174.